The following is an entry in ClinVar:

NM_004333.6(BRAF):c.1314+4A>G

Gene: BRAF (B-Raf proto-oncogene, serine/threonine kinase; minus strand). Cytogenetic location: 7q34.
Variant type: single nucleotide variant.
Coding change: c.1314+4A>G on transcript NM_004333.6 (MANE Select); 4 bases into the intron after coding-DNA position 1314, A replaced by G.
Molecular consequence: intron variant.
Genome position (GRCh38, 1-based): chr7:140,783,017, T>C on the plus strand (A>G on the coding strand, the complement: BRAF is on the minus strand). VCF-style: chr7-140783017-T-C. GRCh37 (hg19) VCF-style: chr7-140482817-T-C.
Other names: c.1314+4A>G (NM_001378474.1, NM_001378468.1, NM_001354609.2); c.1212+4A>G (NM_001378470.1); c.1050+4A>G (NM_001378475.1); c.1203+4A>G (NM_001378471.1); c.1434+4A>G (NM_001374258.1, NM_001374244.1); c.1323+4A>G (NM_001378467.1); c.1158+4A>G (NM_001378472.1, NM_001378473.1); c.1248+4A>G (NM_001378469.1).
Identifiers: ClinVar variation 2161790 (VCV002161790.4), dbSNP rs1258913948, ClinGen allele CA578390227.

ClinVar aggregate classification (germline): Uncertain significance (1 of 4 stars; one submission).

Conditions:
RASopathy. Also called: rasopathies; Noonan spectrum disorder. Identifiers: Orphanet 536391, MedGen C5555857, MONDO:0021060.

Allele frequency attached by ClinVar (database versions not stated): TOPMed below 0.00001; gnomAD 0.00001; gnomAD exomes 0.00001.
gnomAD v4.1: 4 of 1,613,292 alleles (0.00025%); highest among the groups gnomAD compares: African/African-American, 0.0053%; no homozygotes.

Submission:

Labcorp Genetics (formerly Invitae), Labcorp
Classification: Uncertain significance for RASopathy. Last evaluated: 2025-02-10. Review status: criteria provided, single submitter. Criteria: Invitae Variant Classification Sherloc (09022015). Collection method: clinical testing. Allele origin: germline.
Comment: This sequence change falls in intron 10 of the BRAF gene. It does not directly change the encoded amino acid sequence of the BRAF protein. It affects a nucleotide within the consensus splice site. This variant is present in population databases (no rsID available, gnomAD 0.007%). This variant has not been reported in the literature in individuals affected with BRAF-related conditions. ClinVar contains an entry for this variant (Variation ID: 2161790). Variants that disrupt the consensus splice site are a relatively common cause of aberrant splicing (PMID: 17576681, 9536098). Algorithms developed to predict the effect of sequence changes on RNA splicing suggest that this variant is not likely to affect RNA splicing. In summary, the available evidence is currently insufficient to determine the role of this variant in disease. Therefore, it has been classified as a Variant of Uncertain Significance.

Literature cited by the submitters: PubMed 17576681; PubMed 9536098.